The following is an entry in ClinVar:

ClinVar aggregate classification (germline): Uncertain significance (1 of 4 stars; one submission).

Conditions:
Inborn genetic diseases. Identifiers: MedGen C0950123, MeSH D030342.

Submission:

Ambry Genetics
Classification: Uncertain significance for Inborn genetic diseases. Last evaluated: 2026-03-24. Review status: criteria provided, single submitter. Criteria: Ambry Variant Classification Scheme 2023. Collection method: clinical testing. Allele origin: germline.
Comment: The p.E41D variant (also known as c.123A>C), located in coding exon 1 of the SAMD9L gene, results from an A to C substitution at nucleotide position 123. The glutamic acid at codon 41 is replaced by aspartic acid, an amino acid with highly similar properties. This amino acid position is conserved. In addition, this alteration is predicted to be tolerated by in silico analysis. Based on the available evidence, the clinical significance of this variant remains unclear.

NM_152703.5(SAMD9L):c.123A>C (p.Glu41Asp)

Gene: SAMD9L (sterile alpha motif domain containing 9 like; minus strand). Cytogenetic location: 7q21.2.
Variant type: single nucleotide variant.
Coding change: c.123A>C on transcript NM_152703.5 (MANE Select); coding-DNA position 123, A replaced by C.
Protein change: p.Glu41Asp; replaces glutamic acid 41 with aspartic acid.
Molecular consequence: missense variant.
Genome position (GRCh38, 1-based): chr7:93,135,849, T>G on the plus strand (A>C on the coding strand, the complement: SAMD9L is on the minus strand). VCF-style: chr7-93135849-T-G. GRCh37 (hg19) VCF-style: chr7-92765162-T-G.
Other names: c.123A>C, p.Glu41Asp (NM_001303496.3, NM_001303497.3, NM_001303498.3 and 5 more transcripts); short protein forms E41D.
Identifiers: ClinVar variation 4863912 (VCV004863912.1).